The following is an entry in ClinVar:

ClinVar aggregate classification (germline): Conflicting classifications of pathogenicity. Review status: criteria provided, conflicting classifications (1 of 4 stars). 3 submissions from 3 submitters: Pathogenic (1); Likely pathogenic (1); Uncertain significance (1). Last evaluated 2024-07-08.

Conditions:
Malignant hyperthermia, susceptibility to, 1 (MHS1). Also called: RYR1-Related Malignant Hyperthermia Susceptibility; Anesthesia related hyperthermia; Malignant hyperpyrexia; Fulminating hyperpyrexia; Pharmacogenic myopathy; Malignant hyperthermia suceptibility 1. Identifiers: Orphanet 423, MedGen C2930980, MONDO:0007783, OMIM 145600.
RYR1-related disorder. Also called: RYR1-related disorders; RYR1-related condition. Identifiers: MedGen CN239331.

Submissions (3):

GeneDx
Classification: Likely pathogenic. Last evaluated: 2024-07-08. Review status: criteria provided, single submitter. Criteria: GeneDx Variant Classification Process June 2021. Collection method: clinical testing. Allele origin: germline. Affected: yes.
Comment: Frameshift variant predicted to result in protein truncation or nonsense mediated decay in a gene for which loss of function is a known mechanism of disease; Not observed at significant frequency in large population cohorts (gnomAD); Has not been previously published as pathogenic or benign to our knowledge

All of Us Research Program, National Institutes of Health
Classification: Uncertain significance for Malignant hyperthermia, susceptibility to, 1. Last evaluated: 2023-12-07. Review status: criteria provided, single submitter. Criteria: ACMG Guidelines, 2015. Collection method: clinical testing. Allele origin: germline. Inheritance: Autosomal dominant inheritance. Observed: 1 variant allele, 1 heterozygote.
Comment: This study involves interpretation of variants in research participants for the purpose of population health screening. Participant phenotype was not available at the time of variant classification. Additional details can be found in publication PMID: 35346344, PMCID: PMC8962531

Labcorp Genetics (formerly Invitae), Labcorp
Classification: Pathogenic for RYR1-related disorder. Last evaluated: 2021-02-04. Review status: criteria provided, single submitter. Criteria: Invitae Variant Classification Sherloc (09022015). Collection method: clinical testing. Allele origin: germline.
Comment: This sequence change creates a premature translational stop signal (p.Tyr3722Profs*7) in the RYR1 gene. It is expected to result in an absent or disrupted protein product. Loss-of-function variants in RYR1 are known to be pathogenic (PMID: 20583297, 20839240, 23919265, 28818389). For these reasons, this variant has been classified as Pathogenic. This variant has not been reported in the literature in individuals with RYR1-related conditions. This variant is not present in population databases (ExAC no frequency).

Literature cited by the submitters: PubMed 20583297 (cited by Labcorp Genetics (formerly Invitae), Labcorp); PubMed 20839240 (cited by Labcorp Genetics (formerly Invitae), Labcorp); PubMed 23919265 (cited by Labcorp Genetics (formerly Invitae), Labcorp); PubMed 28818389 (cited by Labcorp Genetics (formerly Invitae), Labcorp).

NM_000540.3(RYR1):c.11159_11162dup (p.Tyr3722fs)

Gene: RYR1 (ryanodine receptor 1; plus strand). Cytogenetic location: 19q13.2.
Variant type: Duplication.
Coding change: c.11159_11162dup on transcript NM_000540.3 (MANE Select); coding-DNA positions 11159 to 11162, 4 bases duplicated (ACCT; older notation c.11159_11162dupACCT).
Protein change: p.Tyr3722fs; shifts the reading frame from tyrosine 3722.
Molecular consequence: frameshift variant.
Genome position (GRCh38, 1-based): chr19:38,532,507-38,532,510, ACCT duplicated; duplicating any 4 consecutive bases within chr19:38,532,506-38,532,510 gives the same sequence; the c. name uses the placement nearest the transcript's 3' end. VCF-style (leftmost placement, unchanged base first): chr19-38532505-T-TTACC. GRCh37 (hg19) VCF-style: chr19-39023145-T-TTACC.
Other names: c.11159_11162dup (NM_000540.2); c.11144_11147dup, p.Tyr3717fs (NM_001042723.2); short protein forms Y3717fs, Y3722fs.
Identifiers: ClinVar variation 1386144 (VCV001386144.8), dbSNP rs2145736348, ClinGen allele CA2573156333.